The following is an entry in ClinVar:

NM_004259.7(RECQL5):c.1229+548T>A

Gene: RECQL5 (RecQ like helicase 5; minus strand). Cytogenetic location: 17q25.1.
Variant type: single nucleotide variant.
Coding change: c.1229+548T>A on transcript NM_004259.7 (MANE Select); 548 bases into the intron after coding-DNA position 1229, T replaced by A.
Molecular consequence: intron variant. On other transcripts: 3 prime UTR variant (2).
Genome position (GRCh38, 1-based): chr17:75,650,638, A>T on the plus strand (T>A on the coding strand, the complement: RECQL5 is on the minus strand). VCF-style: chr17-75650638-A-T. GRCh37 (hg19) VCF-style: chr17-73646718-A-T.
Other names: c.*2T>A (NM_001003715.4); c.*544T>A (NM_001003716.4).
Identifiers: ClinVar variation 4993336 (VCV004993336.1).

ClinVar aggregate classification (germline): Likely benign (1 of 4 stars; one submission).

Conditions:
RECQL5-related disorder. Also called: RECQL5-related condition.

gnomAD v4.1: 247 of 1,613,536 alleles (0.015%); highest among the groups gnomAD compares: African/African-American, 0.28%; 2 homozygotes.

Submission:

PreventionGenetics, part of Exact Sciences
Classification: Likely benign for RECQL5-related condition. Last evaluated: 2025-04-22. Review status: criteria provided, single submitter. Criteria: ACMG Guidelines, 2015. Collection method: clinical testing. Allele origin: germline.
Comment: This variant is classified as likely benign based on ACMG/AMP sequence variant interpretation guidelines (Richards et al. 2015 PMID: 25741868, with internal and published modifications).